The following is an entry in ClinVar:

ClinVar aggregate classification (germline): Uncertain significance (1 of 4 stars; one submission).

Conditions:
Intellectual disability, autosomal dominant 24 (VSVS). Also called: VULTO-VAN SILFHOUT-DE VRIES SYNDROME. Identifiers: MedGen C4014414, MONDO:0014357, OMIM 615828.

Submission:

Institute of Immunology and Genetics Kaiserslautern
Classification: Uncertain significance for Intellectual disability, autosomal dominant 24. Last evaluated: 2024-05-14. Review status: criteria provided, single submitter. Criteria: ACMG Guidelines, 2015. Collection method: clinical testing. Allele origin: germline. Affected: yes.
Comment: ACMG Criteria: PM2_P; Variant was found in heterozygous state

NM_021008.4(DEAF1):c.965T>C (p.Ile322Thr)

Gene: DEAF1 (DEAF1 transcription factor; minus strand). Cytogenetic location: 11p15.5.
Variant type: single nucleotide variant.
Coding change: c.965T>C on transcript NM_021008.4 (MANE Select); coding-DNA position 965, T replaced by C.
Protein change: p.Ile322Thr; replaces isoleucine 322 with threonine.
Molecular consequence: missense variant. On other transcripts: intron variant (1).
Genome position (GRCh38, 1-based): chr11:680,995, A>G on the plus strand (T>C on the coding strand, the complement: DEAF1 is on the minus strand). VCF-style: chr11-680995-A-G. GRCh37 (hg19) VCF-style: chr11-680995-A-G.
Other names: c.965T>C, p.Ile322Thr (NM_001440883.1, NM_001440884.1); c.239T>C, p.Ile80Thr (NM_001440885.1, NM_001440886.1, NM_001440887.1 and 1 more transcripts); c.731-1179T>C (NM_001293634.2); short protein forms I322T, I80T.
Identifiers: ClinVar variation 3251934 (VCV003251934.1), dbSNP rs2494417630.